The following is an entry in ClinVar:

NM_201269.3(ZNF644):c.1997G>A (p.Gly666Glu)

Gene: ZNF644 (zinc finger protein 644; minus strand). Cytogenetic location: 1p22.2.
Variant type: single nucleotide variant.
Coding change: c.1997G>A on transcript NM_201269.3 (MANE Select); coding-DNA position 1997, G replaced by A.
Protein change: p.Gly666Glu; replaces glycine 666 with glutamic acid.
Molecular consequence: missense variant. On other transcripts: intron variant (2).
Genome position (GRCh38, 1-based): chr1:90,939,357, C>T on the plus strand (G>A on the coding strand, the complement: ZNF644 is on the minus strand). VCF-style: chr1-90939357-C-T. GRCh37 (hg19) VCF-style: chr1-91404914-C-T.
Other names: c.23-21203G>A (NM_032186.5, NM_016620.4); short protein forms G666E.
Identifiers: ClinVar variation 2507116 (VCV002507116.1), dbSNP rs2524452790, ClinGen allele CA341054150.

ClinVar aggregate classification (germline): Uncertain significance (1 of 4 stars; one submission).

Allele frequency attached by ClinVar (database versions not stated): gnomAD exomes below 0.00001.
gnomAD v4.1: 2 of 1,613,978 alleles (0.00012%); highest among the groups gnomAD compares: Non-Finnish European, 0.00017%; no homozygotes.

Submission:

GeneDx
Classification: Uncertain significance. Last evaluated: 2022-12-27. Review status: criteria provided, single submitter. Criteria: GeneDx Variant Classification Process June 2021. Collection method: clinical testing. Allele origin: germline. Affected: yes.
Comment: Not observed at significant frequency in large population cohorts (gnomAD); In silico analysis supports that this missense variant does not alter protein structure/function; Has not been previously published as pathogenic or benign to our knowledge